The following is an entry in ClinVar:

NM_000179.3(MSH6):c.743G>C (p.Arg248Pro)

Gene: MSH6 (mutS homolog 6; plus strand). Cytogenetic location: 2p16.3.
Variant type: single nucleotide variant.
Coding change: c.743G>C on transcript NM_000179.3 (MANE Select); coding-DNA position 743, G replaced by C.
Protein change: p.Arg248Pro; replaces arginine 248 with proline.
Molecular consequence: missense variant. On other transcripts: 5 prime UTR variant (2).
Genome position (GRCh38, 1-based): chr2:47,798,726, G>C. VCF-style: chr2-47798726-G-C. GRCh37 (hg19) VCF-style: chr2-48025865-G-C.
Other names: c.353G>C, p.Arg118Pro (NM_001281492.2); c.-164G>C (NM_001281493.2, NM_001281494.2); short protein forms R248P, R118P.
Identifiers: ClinVar variation 410512 (VCV000410512.34), dbSNP rs764870249, ClinGen allele CA073426.
Genomic context (GRCh38, chr2:47,798,726, plus strand): 5'-AAGAGGAAGTACAGCCTAAGACACAAGGATCTAGGCGAAGTAGCCGCCAAATAAAAAAAC[G>C]AAGGGTCATATCAGATTCTGAGAGTGACATTGGTGGCTCTGATGTGGAATTTAAGCCAGA-3'
Protein context (NP_000170.1, residues 238-258): SRRSSRQIKK[Arg248Pro]RVISDSESDI

ClinVar aggregate classification (germline): Conflicting classifications of pathogenicity. Review status: criteria provided, conflicting classifications (1 of 4 stars). 10 submissions from 10 submitters: Uncertain significance (9); Benign (1). Last evaluated 2026-02-11.

Conditions:
Lynch syndrome. Identifiers: Orphanet 144, MedGen C4552100, MONDO:0005835. Disease mechanism: loss of function.
Hereditary nonpolyposis colorectal neoplasms. Identifiers: MedGen C0009405, MeSH D003123.
Hereditary cancer-predisposing syndrome. Also called: Tumor predisposition; Hereditary Cancer Syndrome; Hereditary neoplastic syndrome; Neoplastic Syndromes, Hereditary. Identifiers: Orphanet 140162, MedGen C0027672, MeSH D009386, MONDO:0015356.
Lynch syndrome 5 (LYNCH5). Also called: Hereditary non-polyposis colorectal cancer, type 5; Colorectal cancer, hereditary nonpolyposis, type 5. Identifiers: Orphanet 144, MedGen C1833477, MONDO:0013710, OMIM 614350. Disease mechanism: loss of function.
Endometrial carcinoma. Also called: Endometrial carcinoma, somatic. Identifiers: MedGen C0476089, MONDO:0002447, OMIM 608089, HP:0012114.

Allele frequency attached by ClinVar (database versions not stated): ExAC 0.00001; TOPMed 0.00005.

Submissions (10):

St. Jude Molecular Pathology, St. Jude Children's Research Hospital
Classification: Uncertain significance for Lynch syndrome 5. Last evaluated: 2026-02-11. Review status: criteria provided, single submitter. Criteria: St. Jude Assertion Criteria 2020. Collection method: clinical testing. Allele origin: germline.
Comment: The MSH6 c.743G>C p.(Arg248Pro) missense change has a maximum subpopulation frequency of 0.006% in gnomAD v2.1.1. In silico tools predict a deleterious effect on protein function, but to our knowledge this prediction has not been confirmed by functional studies. This variant has been reported in a cohort of individuals undergoing genetic testing due to a Lynch-syndrome associated cancer and/or polyps. In summary, the evidence cur rently available is insufficient to determine the clinical significance of this variant. It has therefore been classified as of uncertain significance.

Labcorp Genetics (formerly Invitae), Labcorp
Classification: Benign for Hereditary nonpolyposis colorectal neoplasms. Last evaluated: 2026-01-11. Review status: criteria provided, single submitter. Criteria: Invitae Variant Classification Sherloc (09022015). Collection method: clinical testing. Allele origin: germline.

GeneDx
Classification: Uncertain significance. Last evaluated: 2025-05-19. Review status: criteria provided, single submitter. Criteria: GeneDx Variant Classification Process June 2021. Collection method: clinical testing. Allele origin: germline. Affected: yes.
Comment: Not observed at significant frequency in large population cohorts (gnomAD); In silico analysis supports that this missense variant has a deleterious effect on protein structure/function; Observed in individuals with Lynch syndrome-associated cancer and/or polyps (PMID: 25980754); This variant is associated with the following publications: (PMID: 21437237, 25980754)

Ambry Genetics
Classification: Uncertain significance for Hereditary cancer-predisposing syndrome. Last evaluated: 2025-04-18. Review status: criteria provided, single submitter. Criteria: Ambry Variant Classification Scheme 2023. Collection method: clinical testing. Allele origin: germline.
Comment: The p.R248P variant (also known as c.743G>C), located in coding exon 4 of the MSH6 gene, results from a G to C substitution at nucleotide position 743. The arginine at codon 248 is replaced by proline, an amino acid with dissimilar properties. This alteration was reported in one individual from a cohort of 1260 individuals undergoing clinical Lynch syndrome testing via a multigene panel (Yurgelun MB et al. Gastroenterology. 2015 May 13). This amino acid position is well conserved in available vertebrate species. In addition, the in silico prediction for this alteration is inconclusive. Since supporting evidence is limited at this time, the clinical significance of this alteration remains unclear.

Quest Diagnostics Nichols Institute San Juan Capistrano
Classification: Uncertain significance. Last evaluated: 2025-03-27. Review status: criteria provided, single submitter. Criteria: Quest Diagnostics criteria. Collection method: clinical testing. Allele origin: unknown.
Comment: The MSH6 c.743G>C (p.Arg248Pro) variant has been reported in the published literature in an individual with a personal history of a Lynch syndrome associated cancer and/or polyps (PMID: 25980754 (2015)). The frequency of this variant in the general population (Genome Aggregation Database) is uninformative in the assessment of its pathogenicity. Analysis of this variant using bioinformatics tools for the prediction of the effect of amino acid changes on protein structure and function yielded conflicting predictions that this variant is benign or damaging. Based on the available information, we are unable to determine the clinical significance of this variant.

Color Diagnostics, LLC DBA Color Health
Classification: Uncertain significance for Hereditary cancer-predisposing syndrome. Last evaluated: 2023-12-11. Review status: criteria provided, single submitter. Criteria: ACMG Guidelines, 2015. Collection method: clinical testing. Allele origin: germline.
Comment: This missense variant replaces arginine with proline at codon 248 of the MSH6 protein. Computational prediction is inconclusive regarding the impact of this variant on protein structure and function (internally defined REVEL score threshold 0.5 < inconclusive < 0.7, PMID: 27666373). To our knowledge, functional studies have not been reported for this variant. This variant has been reported in an individual affected with Lynch syndrome-associated cancer and/or colorectal polyps (PMID: 25980754). This variant has been identified in 2/251102 chromosomes in the general population by the Genome Aggregation Database (gnomAD). The available evidence is insufficient to determine the role of this variant in disease conclusively. Therefore, this variant is classified as a Variant of Uncertain Significance.

Baylor Genetics
Classification: Uncertain significance for Endometrial carcinoma. Last evaluated: 2023-10-06. Review status: criteria provided, single submitter. Criteria: ACMG Guidelines, 2015. Collection method: clinical testing. Allele origin: unknown.

All of Us Research Program, National Institutes of Health
Classification: Uncertain significance for Lynch syndrome. Last evaluated: 2023-05-15. Review status: criteria provided, single submitter. Criteria: ACMG Guidelines, 2015. Collection method: clinical testing. Allele origin: germline. Inheritance: Autosomal dominant inheritance. Observed: 1 variant allele, 1 heterozygote.
Comment: This missense variant replaces arginine with proline at codon 248 of the MSH6 protein. Computational prediction tools and conservation analyses are inconclusive regarding the impact of this variant on the protein function. Computational splicing tools suggest that this variant may not impact RNA splicing. To our knowledge, functional assays have not been performed for this variant. This variant has been reported in an individual affected with Lynch syndrome-associated cancer and/or colorectal polyps (PMID: 25980754). This variant has also been identified in 2/251102 chromosomes in the general population by the Genome Aggregation Database (gnomAD). Available evidence is insufficient to determine the role of this variant in disease conclusively. Therefore, this variant is classified as a Variant of Uncertain Significance.

This study involves interpretation of variants in research participants for the purpose of population health screening. Participant phenotype was not available at the time of variant classification. Additional details can be found in publication PMID: 35346344, PMCID: PMC8962531

Women's Health and Genetics/Laboratory Corporation of America, LabCorp
Classification: Uncertain significance. Last evaluated: 2022-01-29. Review status: criteria provided, single submitter. Criteria: LabCorp Variant Classification Summary - May 2015. Collection method: clinical testing. Allele origin: germline.
Comment: Variant summary: MSH6 c.743G>C (p.Arg248Pro) results in a non-conservative amino acid change in the encoded protein sequence. Four of five in-silico tools predict a damaging effect of the variant on protein function. The variant allele was found at a frequency of 8e-06 in 251102 control chromosomes. The available data on variant occurrences in the general population are insufficient to allow any conclusion about variant significance. c.743G>C has been reported in the literature as a VUS in settings of multigene panel testing among individuals with colorectal cancer (example, Yurgelun_2015). These report(s) do not provide unequivocal conclusions about association of the variant with Hereditary Nonpolyposis Colorectal Cancer/Lynch syndrome. To our knowledge, no experimental evidence demonstrating an impact on protein function has been reported. Four clinical diagnostic laboratories have submitted clinical-significance assessments for this variant to ClinVar after 2014 without evidence for independent evaluation. All laboratories classified the variant as uncertain significance. Based on the evidence outlined above, the variant was classified as uncertain significance.

Sema4
Classification: Uncertain significance for Hereditary cancer-predisposing syndrome. Last evaluated: 2021-12-29. Review status: criteria provided, single submitter. Criteria: Sema4 Curation Guidelines. Collection method: curation. Allele origin: germline.
Comment: The MSH6 c.743G>C (p.R248P) variant has been reported in at least one individual with a Lynch syndrome-associated cancer and/or colon polyps. It was observed in 1/16244 chromosomes of the African/African American subpopulation in the large and broad cohorts of the Genome Aggregation Database (PMID: 32461654). The variant has been reported in ClinVar (Variation ID 410512). Functional studies have not been performed, and in silico predictions of the variant's effect on protein function are inconclusive. The evidence is insufficient to meet ACMG/AMP criteria for classifying the variant as benign or pathogenic. Thus, the clinical significance of this variant is currently uncertain.

Literature cited by the submitters: PubMed 25980754 (cited by 4 submitters); PubMed 32832836 (cited by Quest Diagnostics Nichols Institute San Juan Capistrano).